The following is an entry in ClinVar:

ClinVar aggregate classification (germline): Uncertain significance (1 of 4 stars; one submission).

Conditions:
Joubert syndrome. Also called: CEREBELLOPARENCHYMAL DISORDER IV; JOUBERT-BOLTSHAUSER SYNDROME; Familial aplasia of the vermis. Identifiers: Orphanet 475, MedGen C5979921, MONDO:0018772.
Meckel-Gruber syndrome. Also called: DYSENCEPHALIA SPLANCHNOCYSTICA; GRUBER SYNDROME; Dysencephalia splachnocystica. Identifiers: Orphanet 564, MedGen C0265215, MONDO:0018921.

gnomAD v4.1: 7 of 1,614,044 alleles (0.00043%); highest among the groups gnomAD compares: Non-Finnish European, 0.00059%; no homozygotes.

Submission:

Labcorp Genetics (formerly Invitae), Labcorp
Classification: Uncertain significance for Joubert syndrome; Meckel-Gruber syndrome. Last evaluated: 2024-04-26. Review status: criteria provided, single submitter. Criteria: Invitae Variant Classification Sherloc (09022015). Collection method: clinical testing. Allele origin: germline.
Comment: This sequence change replaces proline, which is neutral and non-polar, with threonine, which is neutral and polar, at codon 223 of the TCTN1 protein (p.Pro223Thr). This variant is not present in population databases (gnomAD no frequency). This variant has not been reported in the literature in individuals affected with TCTN1-related conditions. Advanced modeling of protein sequence and biophysical properties (such as structural, functional, and spatial information, amino acid conservation, physicochemical variation, residue mobility, and thermodynamic stability) performed at Invitae indicates that this missense variant is expected to disrupt TCTN1 protein function with a positive predictive value of 80%. In summary, the available evidence is currently insufficient to determine the role of this variant in disease. Therefore, it has been classified as a Variant of Uncertain Significance.

NM_001082538.3(TCTN1):c.667C>A (p.Pro223Thr)

Gene: TCTN1 (tectonic family member 1; plus strand). Cytogenetic location: 12q24.11.
Variant type: single nucleotide variant.
Coding change: c.667C>A on transcript NM_001082538.3 (MANE Select); coding-DNA position 667, C replaced by A.
Protein change: p.Pro223Thr; replaces proline 223 with threonine.
Molecular consequence: missense variant. On other transcripts: non-coding transcript variant (1).
Genome position (GRCh38, 1-based): chr12:110,632,514, C>A. VCF-style: chr12-110632514-C-A. GRCh37 (hg19) VCF-style: chr12-111070319-C-A.
Other names: c.667C>A, p.Pro223Thr (NM_001082537.3, NM_001319680.2, NM_024549.6); c.499C>A, p.Pro167Thr (NM_001173975.3); c.487C>A, p.Pro163Thr (NM_001173976.2); c.133C>A, p.Pro45Thr (NM_001319681.2); short protein forms P163T, P167T, P223T, P45T.
Identifiers: ClinVar variation 3753181 (VCV003753181.1).